The following is an entry in ClinVar:

NM_172250.3(MMAA):c.450dup (p.Pro151fs)

Gene: MMAA (metabolism of cobalamin associated A; plus strand). Cytogenetic location: 4q31.21.
Variant type: Duplication.
Coding change: c.450dup on transcript NM_172250.3 (MANE Select); coding-DNA position 450, one base duplicated (G; older notation c.450dupG).
Protein change: p.Pro151fs; shifts the reading frame from proline 151.
Molecular consequence: frameshift variant.
Genome position (GRCh38, 1-based): chr4:145,642,373, G duplicated; the last of 3 consecutive G bases (chr4:145,642,371-145,642,373); duplicating any one gives the same sequence. VCF-style (leftmost placement, unchanged base first): chr4-145642370-T-TG. GRCh37 (hg19) VCF-style: chr4-146563522-T-TG.
Other names: c.450dupG (NM_172250.2); short protein forms P151fs.
Identifiers: ClinVar variation 551182 (VCV000551182.20), dbSNP rs754973022, ClinGen allele CA3095183.
Genomic context (GRCh38, chr4:145,642,370, plus strand): 5'-GTAGTTCTGATTTCATTTGTTTCATTGAATTAGAAGATCTCTTTCCACCGTAGGATTGTC[T>TG]GGGCCCCCTGGTGCTGGAAAATCAACATTTATAGAATATTTTGGAAAAATGCTTACTGAG-3'

ClinVar aggregate classification (germline): Pathogenic. Review status: criteria provided, multiple submitters, no conflicts (2 of 4 stars). 6 submissions from 6 submitters: Pathogenic (5). 1 of the submissions does not count toward it. Last evaluated 2025-01-24.

Conditions:
Methylmalonic aciduria, cblA type (MACA). Also called: Methylmalonic aciduria, vitamin B12-responsive; Vitamin B12-responsive methylmalonic acidemia type cblA; Methylmalonic aciduria, vitamin b12-responsive, due to defect in synthesis of adenosylcobalamin, cbla complementation type; MMA cbl A type; Methylmalonic acidemia cblA type. Identifiers: Orphanet 28, Orphanet 79310, MedGen C1855109, MONDO:0009613, OMIM 251100.
Methylmalonic acidemia (MMA). Also called: Isolated Methylmalonic Acidemia. Identifiers: MedGen C0268583, MeSH C537358, MONDO:0002012, HP:0002912.

Submissions (6):

Natera, Inc.
Classification: Pathogenic for Methylmalonic aciduria cblA type. Last evaluated: 2025-01-24. Review status: criteria provided, single submitter. Criteria: Natera Variant Classification Schema (03/2026). Collection method: clinical testing. Allele origin: germline.
Comment: The c.450dupG variant in MMAA is a frameshift variant predicted to shift the reading frame beginning at codon 151 and leads to a stop codon 19 codons downstream. This variant is expected to result in nonsense mediated decay, truncation, or a dysfunctional protein product. This variant is rare in the general population with a frequency below the threshold expected for the associated phenotype(s). This variant has been observed in one or more individuals affected with the associated recessive disease, as either homozygous or compound heterozygous with a second variant (PMID: 15523652). Given the available evidence, this variant is classified as Pathogenic.

Labcorp Genetics (formerly Invitae), Labcorp
Classification: Pathogenic for Methylmalonic aciduria, cblA type. Last evaluated: 2025-01-23. Review status: criteria provided, single submitter. Criteria: Invitae Variant Classification Sherloc (09022015). Collection method: clinical testing. Allele origin: germline.
Comment: This sequence change creates a premature translational stop signal (p.Pro151Alafs*19) in the MMAA gene. It is expected to result in an absent or disrupted protein product. Loss-of-function variants in MMAA are known to be pathogenic (PMID: 15523652, 15781192). This variant is present in population databases (rs754973022, gnomAD 0.003%). This premature translational stop signal has been observed in individuals with methylmalonic aciduria cobalamin A type (PMID: 15523652, 20549364). ClinVar contains an entry for this variant (Variation ID: 551182). For these reasons, this variant has been classified as Pathogenic.

Fulgent Genetics
Classification: Pathogenic for Methylmalonic aciduria, cblA type. Last evaluated: 2024-02-08. Review status: criteria provided, single submitter. Criteria: ACMG Guidelines, 2015. Collection method: clinical testing. Allele origin: germline.

GeneDx
Classification: Pathogenic. Last evaluated: 2022-05-05. Review status: criteria provided, single submitter. Criteria: GeneDx Variant Classification Process June 2021. Collection method: clinical testing. Allele origin: germline. Affected: yes.
Comment: Not observed at significant frequency in large population cohorts (gnomAD); Frameshift variant predicted to result in protein truncation or nonsense mediated decay in a gene for which loss of function is a known mechanism of disease; This variant is associated with the following publications: (PMID: 21048060, 22614770, 28497574, 15523652, 20549364)

Women's Health and Genetics/Laboratory Corporation of America, LabCorp
Classification: Pathogenic for Methylmalonic acidemia. Last evaluated: 2019-02-13. Review status: criteria provided, single submitter. Criteria: LabCorp Variant Classification Summary - May 2015. Collection method: clinical testing. Allele origin: germline.
Comment: Variant summary: The variant, MMAA c.450dupG (p.Pro151AlafsX19) results in a premature termination codon, predicted to cause a truncation of the encoded protein or absence of the protein due to nonsense mediated decay, which are commonly known mechanisms for disease. Truncations downstream of this position have been classified as pathogenic by our laboratory (eg. c.593_596delCTGA(p.Thr198fsX6)). The variant allele was found at a frequency of 1.2e-05 in 246322 control chromosomes and has been reported in the literature in multiple individuals affected with Methylmalonic Acidemia (Lerner-Ellis_2004, Hauser_2011, Martinez_2005, OShea_2012, and Plessl_2017). These data indicate that the variant is very likely to be associated with disease. At least one publication reports experimental evidence evaluating an impact on protein function. The most pronounced variant effect results in <10% of normal activity (Lerner-Ellis_2004). One clinical diagnostic laboratory has submitted clinical-significance assessments for this variant to ClinVar after 2014 without evidence for independent evaluation and classified the variant as pathogenic. Based on the evidence outlined above, the variant was classified as pathogenic.

Counsyl
Classification: Pathogenic for Methylmalonic aciduria, cblA type. Last evaluated: 2017-03-20. Review status: no assertion criteria provided. Collection method: clinical testing. Allele origin: unknown. Not counted in ClinVar's aggregate classification.

Literature cited by the submitters: PubMed 15523652 (cited by 4 submitters); PubMed 15781192 (cited by Labcorp Genetics (formerly Invitae), Labcorp and Women's Health and Genetics/Laboratory Corporation of America, LabCorp); PubMed 20549364 (cited by Labcorp Genetics (formerly Invitae), Labcorp); PubMed 21048060 (cited by Women's Health and Genetics/Laboratory Corporation of America, LabCorp); PubMed 22614770 (cited by Women's Health and Genetics/Laboratory Corporation of America, LabCorp); PubMed 28497574 (cited by Women's Health and Genetics/Laboratory Corporation of America, LabCorp).